The following is an entry in ClinVar:

ClinVar aggregate classification (germline): Uncertain significance (1 of 4 stars; one submission).

Conditions:
Autosomal dominant nocturnal frontal lobe epilepsy 5. Also called: Epilepsy, nocturnal frontal lobe, 5; KCNT1-Related Epilepsy; CILIARY DYSKINESIA, PRIMARY, 28, WITHOUT SITUS INVERSUS; CILIARY DYSKINESIA, PRIMARY, 28, WITH SITUS INVERSUS. Identifiers: Orphanet 98784, MedGen C3554306, MONDO:0014002, OMIM 615005.
Developmental and epileptic encephalopathy, 14 (DEE14). Also called: Early infantile epileptic encephalopathy 14. Identifiers: Orphanet 293181, MedGen C3554195, MONDO:0013989, OMIM 614959.

Submission:

Labcorp Genetics (formerly Invitae), Labcorp
Classification: Uncertain significance for Autosomal dominant nocturnal frontal lobe epilepsy 5; Developmental and epileptic encephalopathy, 14. Last evaluated: 2023-11-18. Review status: criteria provided, single submitter. Criteria: Invitae Variant Classification Sherloc (09022015). Collection method: clinical testing. Allele origin: germline.
Comment: This sequence change creates a premature translational stop signal (p.Ala515Valfs*55) in the KCNT1 gene. It is expected to result in an absent or disrupted protein product. However, the current clinical and genetic evidence is not sufficient to establish whether loss-of-function variants in KCNT1 cause disease. This variant is not present in population databases (gnomAD no frequency). This variant has not been reported in the literature in individuals affected with KCNT1-related conditions. In summary, the available evidence is currently insufficient to determine the role of this variant in disease. Therefore, it has been classified as a Variant of Uncertain Significance.

NM_020822.3(KCNT1):c.1540_1543dup (p.Ala515fs)

Gene: KCNT1 (potassium sodium-activated channel subfamily T member 1; plus strand). Cytogenetic location: 9q34.3.
Variant type: Duplication.
Coding change: c.1540_1543dup on transcript NM_020822.3 (MANE Select); coding-DNA positions 1540 to 1543, 4 bases duplicated (TACG; older notation c.1540_1543dupTACG).
Protein change: p.Ala515fs; shifts the reading frame from alanine 515.
Molecular consequence: frameshift variant.
Genome position (GRCh38, 1-based): chr9:135,769,976-135,769,979, TACG duplicated; duplicating any 4 consecutive bases within chr9:135,769,975-135,769,979 gives the same sequence; the c. name uses the placement nearest the transcript's 3' end. VCF-style (leftmost placement, unchanged base first): chr9-135769974-A-AGTAC. GRCh37 (hg19) VCF-style: chr9-138661820-A-AGTAC.
Other names: c.1405_1408dup, p.Ala470fs (NM_001272003.2); short protein forms A470fs, A515fs.
Identifiers: ClinVar variation 2954004 (VCV002954004.3), dbSNP rs2490959741, ClinGen allele CA2740092932.